The following is an entry in ClinVar:

ClinVar aggregate classification (germline): other (0 of 4 stars; one submission).

Conditions:
Familial colorectal cancer. Identifiers: MedGen CN280943, MONDO:0023113. Disease mechanism: loss of function.

Submission:

Systems Biology Platform Zhejiang California International NanoSystems Institute
Classification: other for Familial colorectal cancer. Review status: no assertion criteria provided. Collection method: not provided. Allele origin: unknown.
ClinVar note: Converted during submission from cancer to other.

NM_000038.6(APC):c.834+4102G>T

Gene: APC (APC regulator of WNT signaling pathway; plus strand). Cytogenetic location: 5q22.2.
Variant type: single nucleotide variant.
Coding change: c.834+4102G>T on transcript NM_000038.6 (MANE Select); 4102 bases into the intron after coding-DNA position 834, G replaced by T.
Molecular consequence: intron variant.
Genome position (GRCh38, 1-based): chr5:112,805,485, G>T. VCF-style: chr5-112805485-G-T. GRCh37 (hg19) VCF-style: chr5-112141182-G-T.
Other names: c.834+4102G>T (NM_001354895.2, NM_001127510.3, NM_001354896.2 and 1 more transcripts); c.864+4102G>T (NM_001354897.2, NM_001354902.2); c.780+4102G>T (NM_001127511.3); c.759+4102G>T (NM_001354898.2, NM_001354904.2); c.-202+4102G>T (NM_001354906.2); c.750+4102G>T (NM_001354899.2); c.657+4102G>T (NM_001354900.2, NM_001354901.2, NM_001354905.2).
Identifiers: ClinVar variation 82524 (VCV000082524.2), dbSNP rs75016706, ClinGen allele CA014786.